The following is an entry in ClinVar:

ClinVar aggregate classification (germline): Uncertain significance (1 of 4 stars; one submission).

gnomAD v4.1: 1 of 1,611,648 alleles (0.000062%); highest among the groups gnomAD compares: Admixed American, 0.0017%; no homozygotes.

Submission:

Ambry Genetics
Classification: Uncertain significance. Last evaluated: 2024-07-05. Review status: criteria provided, single submitter. Criteria: Ambry Variant Classification Scheme 2023. Collection method: clinical testing. Allele origin: germline.
Comment: The p.E190G variant (also known as c.569A>G), located in coding exon 3 of the GALNT12 gene, results from an A to G substitution at nucleotide position 569. The glutamic acid at codon 190 is replaced by glycine, an amino acid with similar properties. This amino acid position is conserved. In addition, this alteration is predicted to be tolerated by in silico analysis. Based on the available evidence, the clinical significance of this variant remains unclear.

NM_024642.5(GALNT12):c.569A>G (p.Glu190Gly)

Gene: GALNT12 (polypeptide N-acetylgalactosaminyltransferase 12; plus strand). Cytogenetic location: 9q22.33.
Variant type: single nucleotide variant.
Coding change: c.569A>G on transcript NM_024642.5 (MANE Select); coding-DNA position 569, A replaced by G.
Protein change: p.Glu190Gly; replaces glutamic acid 190 with glycine.
Molecular consequence: missense variant.
Genome position (GRCh38, 1-based): chr9:98,826,779, A>G. VCF-style: chr9-98826779-A-G. GRCh37 (hg19) VCF-style: chr9-101589061-A-G.
Other names: short protein forms E190G.
Identifiers: ClinVar variation 3518477 (VCV003518477.1).
Genomic context (GRCh38, chr9:98,826,779, plus strand): 5'-CGGTGACCCCTGTTGCTTTGTTTGCCTCCCTAGAGCACCTGAAGGAGCGCTTGGCCAATG[A>G]GCTTTCGGGACTGCCCAAGGTGCGCCTGATCCGCGCCAACAAGAGAGAGGGCCTGGTGCG-3'
Protein context (NP_078918.3, residues 180-200): REHLKERLAN[Glu190Gly]LSGLPKVRLI